The following is an entry in ClinVar:

NM_004525.3(LRP2):c.6068G>A (p.Ser2023Asn)

Gene: LRP2 (LDL receptor related protein 2; minus strand). Cytogenetic location: 2q31.1.
Variant type: single nucleotide variant.
Coding change: c.6068G>A on transcript NM_004525.3 (MANE Select); coding-DNA position 6068, G replaced by A.
Protein change: p.Ser2023Asn; replaces serine 2023 with asparagine.
Molecular consequence: missense variant.
Genome position (GRCh38, 1-based): chr2:169,212,180, C>T on the plus strand (G>A on the coding strand, the complement: LRP2 is on the minus strand). VCF-style: chr2-169212180-C-T. GRCh37 (hg19) VCF-style: chr2-170068690-C-T.
Other names: short protein forms S2023N.
Identifiers: ClinVar variation 1516842 (VCV001516842.5), dbSNP rs1456535139, ClinGen allele CA349132360.

ClinVar aggregate classification (germline): Uncertain significance (1 of 4 stars; one submission).

Allele frequency attached by ClinVar (database versions not stated): gnomAD 0.00001.
gnomAD v4.1: 1 of 1,613,932 alleles (0.000062%); highest among the groups gnomAD compares: African/African-American, 0.0013%; no homozygotes.

Submission:

Labcorp Genetics (formerly Invitae), Labcorp
Classification: Uncertain significance. Last evaluated: 2021-08-26. Review status: criteria provided, single submitter. Criteria: Invitae Variant Classification Sherloc (09022015). Collection method: clinical testing. Allele origin: germline.
Comment: This sequence change replaces serine with asparagine at codon 2023 of the LRP2 protein (p.Ser2023Asn). The serine residue is moderately conserved and there is a small physicochemical difference between serine and asparagine. This variant is not present in population databases (ExAC no frequency). This variant has not been reported in the literature in individuals affected with LRP2-related conditions. Algorithms developed to predict the effect of missense changes on protein structure and function are either unavailable or do not agree on the potential impact of this missense change (SIFT: "Deleterious"; PolyPhen-2: "Benign"; Align-GVGD: "Class C0"). In summary, the available evidence is currently insufficient to determine the role of this variant in disease. Therefore, it has been classified as a Variant of Uncertain Significance.